The following is an entry in ClinVar:

ClinVar aggregate classification (germline): Uncertain significance (1 of 4 stars; one submission).

Allele frequency attached by ClinVar (database versions not stated): gnomAD 0.00003.
gnomAD v4.1: 21 of 730,508 alleles (0.0029%); highest among the groups gnomAD compares: African/African-American, 0.0037%; no homozygotes.

Submission:

Labcorp Genetics (formerly Invitae), Labcorp
Classification: Uncertain significance. Last evaluated: 2026-01-10. Review status: criteria provided, single submitter. Criteria: Invitae Variant Classification Sherloc (09022015). Collection method: clinical testing. Allele origin: germline.
Comment: This sequence change falls in intron 3 of the AP2S1 gene. It does not directly change the encoded amino acid sequence of the AP2S1 protein. It affects a nucleotide within the consensus splice site. This variant is present in population databases (no rsID available, gnomAD 0.003%). This variant has not been reported in the literature in individuals affected with AP2S1-related conditions. ClinVar contains an entry for this variant (Variation ID: 1415032). Variants that disrupt the consensus splice site are a relatively common cause of aberrant splicing (PMID: 17576681, 9536098). Algorithms developed to predict the effect of sequence changes on RNA splicing suggest that this variant is not likely to affect RNA splicing. In summary, the available evidence is currently insufficient to determine the role of this variant in disease. Therefore, it has been classified as a Variant of Uncertain Significance.

Literature cited by the submitters: PubMed 17576681; PubMed 9536098.

NM_004069.6(AP2S1):c.267+4C>T

Gene: AP2S1 (adaptor related protein complex 2 subunit sigma 1; minus strand). Cytogenetic location: 19q13.32.
Variant type: single nucleotide variant.
Coding change: c.267+4C>T on transcript NM_004069.6 (MANE Select); 4 bases into the intron after coding-DNA position 267, C replaced by T.
Molecular consequence: intron variant.
Genome position (GRCh38, 1-based): chr19:46,839,461, G>A on the plus strand (C>T on the coding strand, the complement: AP2S1 is on the minus strand). VCF-style: chr19-46839461-G-A. GRCh37 (hg19) VCF-style: chr19-47342718-G-A.
Other names: c.154-662C>T (NM_021575.5); c.309+4C>T (NM_001301078.3); c.273+4C>T (NM_001301081.3); c.315+4C>T (NM_001301076.3).
Identifiers: ClinVar variation 1415032 (VCV001415032.6), dbSNP rs776590608, ClinGen allele CA309146663.